The following is an entry in ClinVar:

ClinVar aggregate classification (germline): Conflicting classifications of pathogenicity. Review status: criteria provided, conflicting classifications (1 of 4 stars). 3 submissions from 3 submitters: Uncertain significance (2); Likely benign (1). Last evaluated 2025-01-11.

Conditions:
Hereditary breast ovarian cancer syndrome. Also called: Hereditary breast and ovarian cancer; Breast and ovarian cancer; Hereditary breast and/or ovarian cancer syndrome; Hereditary breast and ovarian cancer syndrome; BRCA1- and BRCA2-Associated Hereditary Breast and Ovarian Cancer; Hereditary breast and ovarian cancer syndrome (HBOC). Identifiers: Orphanet 145, MedGen C0677776, MeSH D061325, MONDO:0003582. Disease mechanism: loss of function.
Hereditary cancer-predisposing syndrome. Also called: Tumor predisposition; Hereditary Cancer Syndrome; Neoplastic Syndromes, Hereditary; Hereditary neoplastic syndrome. Identifiers: Orphanet 140162, MedGen C0027672, MeSH D009386, MONDO:0015356.

Submissions (3):

Labcorp Genetics (formerly Invitae), Labcorp
Classification: Uncertain significance for Hereditary breast ovarian cancer syndrome. Last evaluated: 2025-01-11. Review status: criteria provided, single submitter. Criteria: Invitae Variant Classification Sherloc (09022015). Collection method: clinical testing. Allele origin: germline.
Comment: This sequence change replaces valine, which is neutral and non-polar, with phenylalanine, which is neutral and non-polar, at codon 932 of the BRCA1 protein (p.Val932Phe). This variant is not present in population databases (gnomAD no frequency). This variant has not been reported in the literature in individuals affected with BRCA1-related conditions. ClinVar contains an entry for this variant (Variation ID: 821817). Invitae Evidence Modeling of protein sequence and biophysical properties (such as structural, functional, and spatial information, amino acid conservation, physicochemical variation, residue mobility, and thermodynamic stability) indicates that this missense variant is not expected to disrupt BRCA1 protein function with a negative predictive value of 80%. In summary, the available evidence is currently insufficient to determine the role of this variant in disease. Therefore, it has been classified as a Variant of Uncertain Significance.

Ambry Genetics
Classification: Uncertain significance for Hereditary cancer-predisposing syndrome. Last evaluated: 2023-06-28. Review status: criteria provided, single submitter. Criteria: Ambry Variant Classification Scheme 2023. Collection method: clinical testing. Allele origin: germline.
Comment: The p.V932F variant (also known as c.2794G>T), located in coding exon 9 of the BRCA1 gene, results from a G to T substitution at nucleotide position 2794. The valine at codon 932 is replaced by phenylalanine, an amino acid with highly similar properties. This amino acid position is not well conserved in available vertebrate species. In addition, the in silico prediction for this alteration is inconclusive. Since supporting evidence is limited at this time, the clinical significance of this alteration remains unclear.

University of Washington Department of Laboratory Medicine, University of Washington
Classification: Likely benign for Hereditary cancer-predisposing syndrome. Last evaluated: 2023-03-23. Review status: criteria provided, single submitter. Criteria: Dines et al. (Genet Med. 2020). Collection method: curation. Allele origin: germline.
Comment: Missense variant in a coldspot region where missense variants are very unlikely to be pathogenic (PMID:31911673).

BRCA1 coldspot (exon 11 using historical exon numbering). Reclassification based on statistical prior probability

NM_007294.4(BRCA1):c.2794G>T (p.Val932Phe)

Gene: BRCA1 (BRCA1 DNA repair associated; minus strand). Cytogenetic location: 17q21.31.
Variant type: single nucleotide variant.
Coding change: c.2794G>T on transcript NM_007294.4 (MANE Select); coding-DNA position 2794, G replaced by T.
Protein change: p.Val932Phe; replaces valine 932 with phenylalanine.
Molecular consequence: missense variant. On other transcripts: intron variant (137).
Genome position (GRCh38, 1-based): chr17:43,092,737, C>A on the plus strand (G>T on the coding strand, the complement: BRCA1 is on the minus strand). VCF-style: chr17-43092737-C-A. GRCh37 (hg19) VCF-style: chr17-41244754-C-A.
Other names: c.2653G>T, p.Val885Phe (NM_001407726.1, NM_001407727.1, NM_001407728.1 and 29 more transcripts); c.2581G>T, p.Val861Phe (NM_001407571.1, NM_001407853.1, NM_001407894.1 and 9 more transcripts); c.2794G>T, p.Val932Phe (NM_001407581.1, NM_001407582.1, NM_001407583.1 and 30 more transcripts); c.2791G>T, p.Val931Phe (NM_001407587.1, NM_001407590.1, NM_001407591.1 and 22 more transcripts); c.2785G>T, p.Val929Phe (NM_001407646.1, NM_001407647.1); c.2671G>T, p.Val891Phe (NM_001407648.1, NM_001407664.1, NM_001407665.1 and 19 more transcripts); c.2668G>T, p.Val890Phe (NM_001407649.1, NM_001407670.1, NM_001407671.1 and 11 more transcripts); c.2716G>T, p.Val906Phe (NM_001407653.1, NM_001407654.1, NM_001407655.1 and 4 more transcripts); and 41 more; short protein forms V885F, V932F, V764F, V844F, V891F, V929F, V931F, V636F.
Identifiers: ClinVar variation 821817 (VCV000821817.10), dbSNP rs762589415, ClinGen allele CA10596407.